The following is an entry in ClinVar:

ClinVar aggregate classification (germline): Uncertain significance (1 of 4 stars; one submission).

gnomAD v4.1: 1 of 1,613,078 alleles (0.000062%); no homozygotes.

Submission:

Labcorp Genetics (formerly Invitae), Labcorp
Classification: Uncertain significance. Last evaluated: 2023-12-07. Review status: criteria provided, single submitter. Criteria: Invitae Variant Classification Sherloc (09022015). Collection method: clinical testing. Allele origin: germline.
Comment: This sequence change replaces alanine, which is neutral and non-polar, with glutamic acid, which is acidic and polar, at codon 294 of the DZIP1L protein (p.Ala294Glu). This variant is present in population databases (rs751169623, gnomAD 0.004%). This variant has not been reported in the literature in individuals affected with DZIP1L-related conditions. ClinVar contains an entry for this variant (Variation ID: 2025014). An algorithm developed to predict the effect of missense changes on protein structure and function (PolyPhen-2) suggests that this variant is likely to be disruptive. In summary, the available evidence is currently insufficient to determine the role of this variant in disease. Therefore, it has been classified as a Variant of Uncertain Significance.

NM_173543.3(DZIP1L):c.881C>A (p.Ala294Glu)

Gene: DZIP1L (DAZ interacting zinc finger protein 1 like; minus strand). Cytogenetic location: 3q22.3.
Variant type: single nucleotide variant.
Coding change: c.881C>A on transcript NM_173543.3 (MANE Select); coding-DNA position 881, C replaced by A.
Protein change: p.Ala294Glu; replaces alanine 294 with glutamic acid.
Molecular consequence: missense variant.
Genome position (GRCh38, 1-based): chr3:138,088,497, G>T on the plus strand (C>A on the coding strand, the complement: DZIP1L is on the minus strand). VCF-style: chr3-138088497-G-T. GRCh37 (hg19) VCF-style: chr3-137807339-G-T.
Other names: c.881C>A, p.Ala294Glu (NM_001170538.1); short protein forms A294E.
Identifiers: ClinVar variation 2025014 (VCV002025014.4), dbSNP rs751169623, ClinGen allele CA2635118.